The following is an entry in ClinVar:

ClinVar aggregate classification (germline): Uncertain significance (1 of 4 stars; one submission).

Submission:

Labcorp Genetics (formerly Invitae), Labcorp
Classification: Uncertain significance. Last evaluated: 2023-03-08. Review status: criteria provided, single submitter. Criteria: Invitae Variant Classification Sherloc (09022015). Collection method: clinical testing. Allele origin: germline.
Comment: In summary, the available evidence is currently insufficient to determine the role of this variant in disease. Therefore, it has been classified as a Variant of Uncertain Significance. Advanced modeling of protein sequence and biophysical properties (such as structural, functional, and spatial information, amino acid conservation, physicochemical variation, residue mobility, and thermodynamic stability) has been performed at Invitae for this missense variant, however the output from this modeling did not meet the statistical confidence thresholds required to predict the impact of this variant on FGFR3 protein function. This variant has not been reported in the literature in individuals affected with FGFR3-related conditions. This variant is not present in population databases (gnomAD no frequency). This sequence change replaces asparagine, which is neutral and polar, with lysine, which is basic and polar, at codon 622 of the FGFR3 protein (p.Asn622Lys).

NM_000142.5(FGFR3):c.1866T>G (p.Asn622Lys)

Gene: FGFR3 (fibroblast growth factor receptor 3; plus strand). Cytogenetic location: 4p16.3.
Variant type: single nucleotide variant.
Coding change: c.1866T>G on transcript NM_000142.5 (MANE Select); coding-DNA position 1866, T replaced by G.
Protein change: p.Asn622Lys; replaces asparagine 622 with lysine.
Molecular consequence: missense variant. On other transcripts: non-coding transcript variant (1).
Genome position (GRCh38, 1-based): chr4:1,806,080, T>G. VCF-style: chr4-1806080-T-G. GRCh37 (hg19) VCF-style: chr4-1807807-T-G.
Other names: c.1872T>G, p.Asn624Lys (NM_001163213.2); c.1869T>G, p.Asn623Lys (NM_001354809.2, NM_001354810.2); c.1530T>G, p.Asn510Lys (NM_022965.4); short protein forms N510K, N622K, N624K, N623K.
Identifiers: ClinVar variation 2844018 (VCV002844018.3), dbSNP rs2108806595, ClinGen allele CA355982326.